The following is an entry in ClinVar:

NM_144670.6(A2ML1):c.2671A>C (p.Lys891Gln)

Gene: A2ML1 (alpha-2-macroglobulin like 1; plus strand). Cytogenetic location: 12p13.31.
Variant type: single nucleotide variant.
Coding change: c.2671A>C on transcript NM_144670.6 (MANE Select); coding-DNA position 2671, A replaced by C.
Protein change: p.Lys891Gln; replaces lysine 891 with glutamine.
Molecular consequence: missense variant.
Genome position (GRCh38, 1-based): chr12:8,854,208, A>C. VCF-style: chr12-8854208-A-C. GRCh37 (hg19) VCF-style: chr12-9006804-A-C.
Other names: c.1198A>C, p.Lys400Gln (NM_001282424.3); short protein forms K891Q, K400Q.
Identifiers: ClinVar variation 4844956 (VCV004844956.1).

ClinVar aggregate classification (germline): Uncertain significance (1 of 4 stars; one submission).

Submission:

Ambry Genetics
Classification: Uncertain significance. Last evaluated: 2026-02-14. Review status: criteria provided, single submitter. Criteria: Ambry Variant Classification Scheme 2023. Collection method: clinical testing. Allele origin: germline.
Comment: The p.K891Q variant (also known as c.2671A>C), located in coding exon 21 of the A2ML1 gene, results from an A to C substitution at nucleotide position 2671. The lysine at codon 891 is replaced by glutamine, an amino acid with similar properties. This amino acid position is conserved. In addition, this alteration is predicted to be tolerated by in silico analysis. Based on the available evidence, the clinical significance of this variant remains unclear.